The following is an entry in ClinVar:

ClinVar aggregate classification (germline): Uncertain significance (1 of 4 stars; one submission).

gnomAD v4.1: 1 of 1,590,492 alleles (0.000063%); highest among the groups gnomAD compares: Non-Finnish European, 0.000085%; no homozygotes.

Submission:

GeneDx
Classification: Uncertain significance. Last evaluated: 2020-01-16. Review status: criteria provided, single submitter. Criteria: GeneDx Variant Classification Process June 2021. Collection method: clinical testing. Allele origin: germline. Affected: yes.
Comment: Not observed in large population cohorts (Lek et al., 2016); In silico analysis, which includes protein predictors and evolutionary conservation, supports that this variant does not alter protein structure/function; Has not been previously published as pathogenic or benign to our knowledge

NM_001365999.1(SZT2):c.5314G>A (p.Glu1772Lys)

Gene: SZT2 (SZT2 subunit of KICSTOR complex; plus strand). Cytogenetic location: 1p34.2.
Variant type: single nucleotide variant.
Coding change: c.5314G>A on transcript NM_001365999.1 (MANE Select); coding-DNA position 5314, G replaced by A.
Protein change: p.Glu1772Lys; replaces glutamic acid 1772 with lysine.
Molecular consequence: missense variant.
Genome position (GRCh38, 1-based): chr1:43,432,311, G>A. VCF-style: chr1-43432311-G-A. GRCh37 (hg19) VCF-style: chr1-43897982-G-A.
Other names: c.5143G>A, p.Glu1715Lys (NM_015284.4); short protein forms E1715K, E1772K.
Identifiers: ClinVar variation 1312037 (VCV001312037.2), dbSNP rs2153934148, ClinGen allele CA340024780.